The following is an entry in ClinVar:

ClinVar aggregate classification (germline): Uncertain significance (1 of 4 stars; one submission).

Allele frequency attached by ClinVar (database versions not stated): gnomAD exomes below 0.00001.
gnomAD v4.1: 1 of 1,613,770 alleles (0.000062%); highest among the groups gnomAD compares: Non-Finnish European, 0.000085%; no homozygotes.

Submission:

Ambry Genetics
Classification: Uncertain significance. Last evaluated: 2021-07-08. Review status: criteria provided, single submitter. Criteria: Ambry Variant Classification Scheme 2023. Collection method: clinical testing. Allele origin: germline.
Comment: The p.S385Y variant (also known as c.1154C>A), located in coding exon 3 of the ALPK2 gene, results from a C to A substitution at nucleotide position 1154. The serine at codon 385 is replaced by tyrosine, an amino acid with dissimilar properties. This amino acid position is conserved. In addition, this alteration is predicted to be tolerated by in silico analysis. Since supporting evidence is limited at this time, the clinical significance of this alteration remains unclear.

NM_052947.4(ALPK2):c.1154C>A (p.Ser385Tyr)

Genes: ALPK2 (alpha kinase 2; minus strand), LOC114803473 (ALPK2 eExon liver enhancer; plus strand). Cytogenetic location: 18q21.31.
Variant type: single nucleotide variant.
Coding change: c.1154C>A on transcript NM_052947.4 (MANE Select); coding-DNA position 1154, C replaced by A.
Protein change: p.Ser385Tyr; replaces serine 385 with tyrosine.
Molecular consequence: missense variant.
Genome position (GRCh38, 1-based): chr18:58,579,622, G>T on the plus strand (C>A on the coding strand, the complement: ALPK2 is on the minus strand). VCF-style: chr18-58579622-G-T. GRCh37 (hg19) VCF-style: chr18-56246854-G-T.
Other names: short protein forms S385Y.
Identifiers: ClinVar variation 1734866 (VCV001734866.2), dbSNP rs2518899383, ClinGen allele CA402564443.